The following is an entry in ClinVar:

ClinVar aggregate classification (germline): Uncertain significance. Review status: criteria provided, multiple submitters, no conflicts (2 of 4 stars). 2 submissions from 2 submitters: Uncertain significance (2). Last evaluated 2022-08-10.

Conditions:
Nephronophthisis 15 (NPHP15). Identifiers: Orphanet 3156, MedGen C3541853, MONDO:0013917, OMIM 614845.

Allele frequency attached by ClinVar (database versions not stated): ExAC 0.00001; gnomAD exomes 0.00001; ESP Exome Variant Server 0.00008.
gnomAD v4.1: 6 of 1,613,608 alleles (0.00037%); highest among the groups gnomAD compares: Non-Finnish European, 0.00051%; no homozygotes.

Submissions (2):

Labcorp Genetics (formerly Invitae), Labcorp
Classification: Uncertain significance for Nephronophthisis 15. Last evaluated: 2022-08-10. Review status: criteria provided, single submitter. Criteria: Invitae Variant Classification Sherloc (09022015). Collection method: clinical testing. Allele origin: germline.
Comment: This sequence change replaces glycine, which is neutral and non-polar, with aspartic acid, which is acidic and polar, at codon 250 of the CEP164 protein (p.Gly250Asp). This variant is present in population databases (rs368668415, gnomAD 0.0009%). This variant has not been reported in the literature in individuals affected with CEP164-related conditions. ClinVar contains an entry for this variant (Variation ID: 1415334). Algorithms developed to predict the effect of missense changes on protein structure and function (SIFT, PolyPhen-2, Align-GVGD) all suggest that this variant is likely to be tolerated. In summary, the available evidence is currently insufficient to determine the role of this variant in disease. Therefore, it has been classified as a Variant of Uncertain Significance.

Fulgent Genetics
Classification: Uncertain significance for Nephronophthisis 15. Last evaluated: 2022-02-11. Review status: criteria provided, single submitter. Criteria: ACMG Guidelines, 2015. Collection method: clinical testing. Allele origin: unknown.

NM_014956.5(CEP164):c.749G>A (p.Gly250Asp)

Gene: CEP164 (centrosomal protein 164; plus strand). Cytogenetic location: 11q23.3.
Variant type: single nucleotide variant.
Coding change: c.749G>A on transcript NM_014956.5 (MANE Select); coding-DNA position 749, G replaced by A.
Protein change: p.Gly250Asp; replaces glycine 250 with aspartic acid.
Molecular consequence: missense variant.
Genome position (GRCh38, 1-based): chr11:117,363,490, G>A. VCF-style: chr11-117363490-G-A. GRCh37 (hg19) VCF-style: chr11-117234206-G-A.
Other names: c.749G>A, p.Gly250Asp (NM_001271933.2); short protein forms G250D.
Identifiers: ClinVar variation 1415334 (VCV001415334.4), dbSNP rs368668415, ClinGen allele CA6294576.